The following is an entry in ClinVar:

ClinVar aggregate classification (germline): Uncertain significance (1 of 4 stars; one submission).

Conditions:
Hereditary cancer-predisposing syndrome. Also called: Hereditary Cancer Syndrome; Hereditary neoplastic syndrome; Neoplastic Syndromes, Hereditary; Tumor predisposition. Identifiers: Orphanet 140162, MedGen C0027672, MeSH D009386, MONDO:0015356.

Submission:

Ambry Genetics
Classification: Uncertain significance for Hereditary cancer-predisposing syndrome. Last evaluated: 2022-05-04. Review status: criteria provided, single submitter. Criteria: Ambry Variant Classification Scheme 2023. Collection method: clinical testing. Allele origin: germline.
Comment: The p.P319L variant (also known as c.956C>T), located in coding exon 5 of the SMARCA4 gene, results from a C to T substitution at nucleotide position 956. The proline at codon 319 is replaced by leucine, an amino acid with similar properties. This amino acid position is well conserved in available vertebrate species. In addition, the in silico prediction for this alteration is inconclusive. Missense and in-frame variants in SMARCA4 are known to cause neurodevelopmental disorders; however, such associations with rhabdoid tumor predisposition syndrome including small cell carcinoma of the ovary-hypercalcemic type (SCCOHT) are exceedingly rare (Kosho T et al. Am J Med Genet C Semin Med Genet. 2014 Sep;166C(3):262-75; Jelinic P et al. Nat Genet. 2014 May;46(5):424-6). Based on the supporting evidence, the association of this alteration with Coffin-Siris syndrome is unknown; however, the association of this alteration with rhabdoid tumor predisposition syndrome is unlikely.

NM_003072.5(SMARCA4):c.956C>T (p.Pro319Leu)

Gene: SMARCA4 (SWI/SNF related BAF chromatin remodeling complex subunit ATPase 4; plus strand). Cytogenetic location: 19p13.2.
Variant type: single nucleotide variant.
Coding change: c.956C>T on transcript NM_003072.5 (MANE Select); coding-DNA position 956, C replaced by T.
Protein change: p.Pro319Leu; replaces proline 319 with leucine.
Molecular consequence: missense variant. On other transcripts: non-coding transcript variant (1).
Genome position (GRCh38, 1-based): chr19:10,987,762, C>T. VCF-style: chr19-10987762-C-T. GRCh37 (hg19) VCF-style: chr19-11098438-C-T.
Other names: c.956C>T, p.Pro319Leu (NM_001128844.3, NM_001128845.2, NM_001128846.2 and 6 more transcripts); short protein forms P319L.
Identifiers: ClinVar variation 1767411 (VCV001767411.2), dbSNP rs2145817347, ClinGen allele CA404058525.